The following is an entry in ClinVar:

NM_145038.5(DRC1):c.1560G>C (p.Gln520His)

Gene: DRC1 (dynein regulatory complex subunit 1; plus strand). Cytogenetic location: 2p23.3.
Variant type: single nucleotide variant.
Coding change: c.1560G>C on transcript NM_145038.5 (MANE Select); coding-DNA position 1560, G replaced by C.
Protein change: p.Gln520His; replaces glutamine 520 with histidine.
Molecular consequence: missense variant.
Genome position (GRCh38, 1-based): chr2:26,450,046, G>C. VCF-style: chr2-26450046-G-C. GRCh37 (hg19) VCF-style: chr2-26672914-G-C.
Other names: short protein forms Q520H.
Identifiers: ClinVar variation 1381020 (VCV001381020.6), dbSNP rs1251505912, ClinGen allele CA346115752.

ClinVar aggregate classification (germline): Uncertain significance (1 of 4 stars; one submission).

Conditions:
Primary ciliary dyskinesia. Also called: Ciliary dyskinesia. Identifiers: Orphanet 244, MedGen C0008780, MONDO:0016575, HP:0012265.

Allele frequency attached by ClinVar (database versions not stated): gnomAD exomes 0.00001; TOPMed 0.00001; gnomAD 0.00003 and 0.00004.
gnomAD v4.1: 10 of 1,613,742 alleles (0.00062%); highest among the groups gnomAD compares: Admixed American, 0.017%; no homozygotes.

Submission:

Labcorp Genetics (formerly Invitae), Labcorp
Classification: Uncertain significance for Primary ciliary dyskinesia. Last evaluated: 2024-02-23. Review status: criteria provided, single submitter. Criteria: Invitae Variant Classification Sherloc (09022015). Collection method: clinical testing. Allele origin: germline.
Comment: This sequence change replaces glutamine, which is neutral and polar, with histidine, which is basic and polar, at codon 520 of the DRC1 protein (p.Gln520His). This variant is present in population databases (no rsID available, gnomAD 0.009%). This variant has not been reported in the literature in individuals affected with DRC1-related conditions. ClinVar contains an entry for this variant (Variation ID: 1381020). An algorithm developed to predict the effect of missense changes on protein structure and function (PolyPhen-2) suggests that this variant is likely to be tolerated. In summary, the available evidence is currently insufficient to determine the role of this variant in disease. Therefore, it has been classified as a Variant of Uncertain Significance.